The following is an entry in ClinVar:

ClinVar aggregate classification (germline): Uncertain significance (1 of 4 stars; one submission).

gnomAD v4.1: 2 of 1,614,146 alleles (0.00012%); highest among the groups gnomAD compares: Non-Finnish European, 0.00017%; no homozygotes.

Submission:

Labcorp Genetics (formerly Invitae), Labcorp
Classification: Uncertain significance. Last evaluated: 2025-03-27. Review status: criteria provided, single submitter. Criteria: Invitae Variant Classification Sherloc (09022015). Collection method: clinical testing. Allele origin: germline.
Comment: This sequence change replaces arginine, which is basic and polar, with tryptophan, which is neutral and slightly polar, at codon 148 of the C3 protein (p.Arg148Trp). This variant is not present in population databases (gnomAD no frequency). This variant has not been reported in the literature in individuals affected with C3-related conditions. Invitae Evidence Modeling of protein sequence and biophysical properties (such as structural, functional, and spatial information, amino acid conservation, physicochemical variation, residue mobility, and thermodynamic stability) indicates that this missense variant is expected to disrupt C3 protein function with a positive predictive value of 80%. In summary, the available evidence is currently insufficient to determine the role of this variant in disease. Therefore, it has been classified as a Variant of Uncertain Significance.

NM_000064.4(C3):c.442C>T (p.Arg148Trp)

Gene: C3 (complement C3; minus strand). Cytogenetic location: 19p13.3.
Variant type: single nucleotide variant.
Coding change: c.442C>T on transcript NM_000064.4 (MANE Select); coding-DNA position 442, C replaced by T.
Protein change: p.Arg148Trp; replaces arginine 148 with tryptophan.
Molecular consequence: missense variant.
Genome position (GRCh38, 1-based): chr19:6,718,156, G>A on the plus strand (C>T on the coding strand, the complement: C3 is on the minus strand). VCF-style: chr19-6718156-G-A. GRCh37 (hg19) VCF-style: chr19-6718167-G-A.
Other names: short protein forms R148W.
Identifiers: ClinVar variation 4743157 (VCV004743157.1).